The following is an entry in ClinVar:

NM_000113.3(TOR1A):c.-36C>T

Genes: TOR1A (torsin family 1 member A; minus strand), LOC130002772 (ATAC-STARR-seq lymphoblastoid active region 29122; plus strand). Cytogenetic location: 9q34.11.
Variant type: single nucleotide variant.
Coding change: c.-36C>T on transcript NM_000113.3 (MANE Select); 36 bases upstream of the start codon, C replaced by T.
Molecular consequence: 5 prime UTR variant.
Genome position (GRCh38, 1-based): chr9:129,824,121, G>A on the plus strand (C>T on the coding strand, the complement: TOR1A is on the minus strand). VCF-style: chr9-129824121-G-A. GRCh37 (hg19) VCF-style: chr9-132586400-G-A.
Identifiers: ClinVar variation 365237 (VCV000365237.6), dbSNP rs28384433, ClinGen allele CA5278786.

ClinVar aggregate classification (germline): Benign. Review status: criteria provided, multiple submitters, no conflicts (2 of 4 stars). 2 submissions from 2 submitters: Benign (2). Last evaluated 2018-01-13.

Conditions:
Early-onset generalized limb-onset dystonia. Also called: DYSTONIA MUSCULORUM DEFORMANS 1; Oppenheim's dystonia; Early onset torsion dystonia; DYT-TOR1A; Dystonia-1, torsion; Dystonia 1, modifier of. Identifiers: Orphanet 256, MedGen C1851945, MONDO:0007492, OMIM 128100.

Allele frequency attached by ClinVar (database versions not stated): gnomAD 0.00026 and 0.00032; TOPMed 0.00039; 1000 Genomes Project 0.00060; ExAC 0.00074; gnomAD exomes 0.00084; 1000 Genomes Project 30x 0.00109.

Submissions (2):

Illumina Laboratory Services, Illumina
Classification: Benign for Early-onset generalized limb-onset dystonia. Last evaluated: 2018-01-13. Review status: criteria provided, single submitter. Criteria: ICSL Variant Classification Criteria 13 December 2019. Collection method: clinical testing. Allele origin: germline.
Comment: This variant was observed in the ICSL laboratory as part of a predisposition screen in an ostensibly healthy population. It had not been previously curated by ICSL or reported in the Human Gene Mutation Database (HGMD: prior to June 1st, 2018), and was therefore a candidate for classification through an automated scoring system. Utilizing variant allele frequency, disease prevalence and penetrance estimates, and inheritance mode, an automated score was calculated to assess if this variant is too frequent to cause the disease. Based on the score and internal cut-off values, a variant classified as benign is not then subjected to further curation. The score for this variant resulted in a classification of benign for this disease.

Breakthrough Genomics
Classification: Benign. Review status: criteria provided, single submitter. Criteria: ACMG Guidelines, 2015. Collection method: not provided. Allele origin: germline. Inheritance: Autosomal recessive inheritance. Affected: yes.